The following is an entry in ClinVar:

NM_001282531.3(ADNP):c.2350A>G (p.Arg784Gly)

Gene: ADNP (activity dependent neuroprotector homeobox; minus strand). Cytogenetic location: 20q13.13.
Variant type: single nucleotide variant.
Coding change: c.2350A>G on transcript NM_001282531.3 (MANE Select); coding-DNA position 2350, A replaced by G.
Protein change: p.Arg784Gly; replaces arginine 784 with glycine.
Molecular consequence: missense variant.
Genome position (GRCh38, 1-based): chr20:50,892,364, T>C on the plus strand (A>G on the coding strand, the complement: ADNP is on the minus strand). VCF-style: chr20-50892364-T-C. GRCh37 (hg19) VCF-style: chr20-49508901-T-C.
Other names: c.2350A>G, p.Arg784Gly (NM_001282532.2, NM_001347511.2, NM_015339.5 and 1 more transcripts); short protein forms R784G.
Identifiers: ClinVar variation 2636336 (VCV002636336.1), dbSNP rs2515578904, ClinGen allele CA408970476.

ClinVar aggregate classification (germline): Uncertain significance (1 of 4 stars; one submission).

Conditions:
ADNP-related disorder. Also called: ADNP-related condition.

Submission:

PreventionGenetics, part of Exact Sciences
Classification: Uncertain significance for ADNP-related condition. Last evaluated: 2022-09-09. Review status: criteria provided, single submitter. Criteria: ACMG Guidelines, 2015. Collection method: clinical testing. Allele origin: germline.
Comment: The ADNP c.2350A>G variant is predicted to result in the amino acid substitution p.Arg784Gly. To our knowledge, this variant has not been reported in the literature or in a large population database, indicating this variant is rare. Of note, in at least one other vertebrate species a glycine (Gly) is present at the Arg784 residue. At this time, the clinical significance of this variant is uncertain due to the absence of conclusive functional and genetic evidence.